The following is an entry in ClinVar:

NM_001267550.2(TTN):c.34612+3A>G

Gene: TTN (titin; minus strand). Cytogenetic location: 2q31.2.
Variant type: single nucleotide variant.
Coding change: c.34612+3A>G on transcript NM_001267550.2 (MANE Select); 3 bases into the intron after coding-DNA position 34612, A replaced by G.
Molecular consequence: intron variant.
Genome position (GRCh38, 1-based): chr2:178,675,036, T>C on the plus strand (A>G on the coding strand, the complement: TTN is on the minus strand). VCF-style: chr2-178675036-T-C. GRCh37 (hg19) VCF-style: chr2-179539763-T-C.
Other names: c.13283-32719A>G (NM_003319.4); c.13859-32719A>G (NM_133437.4); c.13658-32719A>G (NM_133432.3); c.30709+3A>G (NM_133378.4); c.33490+3A>G (NM_001256850.1).
Identifiers: ClinVar variation 202515 (VCV000202515.10), dbSNP rs371880098, ClinGen allele CA309484.

ClinVar aggregate classification (germline): Uncertain significance. Review status: criteria provided, multiple submitters, no conflicts (2 of 4 stars). 2 submissions from 2 submitters: Uncertain significance (2). Last evaluated 2022-12-27.

Conditions:
Dilated cardiomyopathy 1G (CMD1G). Identifiers: Orphanet 154, MedGen C1858763, MONDO:0011400, OMIM 604145.
Autosomal recessive limb-girdle muscular dystrophy type 2J (LGMDR10). Also called: MUSCULAR DYSTROPHY, LIMB-GIRDLE, AUTOSOMAL RECESSIVE 10; Limb-girdle muscular dystrophy, type 2J. Identifiers: Orphanet 140922, MedGen C1837342, MONDO:0012127, OMIM 608807.

Allele frequency attached by ClinVar (database versions not stated): gnomAD exomes below 0.00001; gnomAD 0.00001; TOPMed 0.00001; ESP Exome Variant Server 0.00008; ExAC 0.00001.
gnomAD v4.1: 5 of 1,507,086 alleles (0.00033%); highest among the groups gnomAD compares: African/African-American, 0.0029%; no homozygotes.

Submissions (2):

Labcorp Genetics (formerly Invitae), Labcorp
Classification: Uncertain significance for Dilated cardiomyopathy 1G; Autosomal recessive limb-girdle muscular dystrophy type 2J. Last evaluated: 2022-12-27. Review status: criteria provided, single submitter. Criteria: Invitae Variant Classification Sherloc (09022015). Collection method: clinical testing. Allele origin: germline.
Comment: This variant is not present in population databases (gnomAD no frequency). This sequence change falls in intron 150 of the TTN gene. It does not directly change the encoded amino acid sequence of the TTN protein. It affects a nucleotide within the consensus splice site. This variant has not been reported in the literature in individuals affected with TTN-related conditions. In summary, the available evidence is currently insufficient to determine the role of this variant in disease. Therefore, it has been classified as a Variant of Uncertain Significance. This variant is located in the I band of TTN (PMID: 25589632). Variants in this region may be clinically relevant, but have not been definitively shown to cause cardiomyopathy or neuromuscular disease (PMID: 27493940, 32778822). Variants that disrupt the consensus splice site are a relatively common cause of aberrant splicing (PMID: 17576681, 9536098). Algorithms developed to predict the effect of sequence changes on RNA splicing suggest that this variant is not likely to affect RNA splicing. ClinVar contains an entry for this variant (Variation ID: 202515).

GeneDx
Classification: Uncertain significance. Last evaluated: 2016-07-29. Review status: criteria provided, single submitter. Criteria: GeneDx Variant Classification (06012015). Collection method: clinical testing. Allele origin: germline. Affected: yes.
Comment: c.33490+3 A>G: IVS146+3 A>G in intron 146 of the TTN gene (NM_001256850.1). A variant of unknown significance has been identified in the TTN gene. The c.33490+3 A>G variant has not been published as a mutation, nor has it been reported as a benign polymorphism to our knowledge. In silico splice prediction programs predict c.33490+3 A>G alters the splice donor site in intron 146, which is predicted to lead to either an abnormal message that is subject to nonsense-mediated mRNA decay, or to an abnormal protein product if the message is used for protein translation. Additionally, the c.33490+3 A>G variant was not observed with any significant frequency in approximately 5,900 individuals of European and African American ancestry in the NHLBI Exome Sequencing Project, indicating it is not a common benign variant in these population. However, truncating variants in the TTN gene have been reported in approximately 3% of reported control alleles and the c.33490+3 A>G variant is not located in the A-band region of titin, where the majority of mutations associated with DCM have been reported (Herman D et al., 2012). Therefore, based on the currently available information, it is unclear whether this variant is a pathogenic mutation or a rare benign variant. The variant is found in DCM-CRDM panel(s).

Literature cited by the submitters: PubMed 25589632 (cited by Labcorp Genetics (formerly Invitae), Labcorp); PubMed 27493940 (cited by Labcorp Genetics (formerly Invitae), Labcorp); PubMed 32778822 (cited by Labcorp Genetics (formerly Invitae), Labcorp); PubMed 17576681 (cited by Labcorp Genetics (formerly Invitae), Labcorp); PubMed 9536098 (cited by Labcorp Genetics (formerly Invitae), Labcorp).